The following is an entry in ClinVar:

ClinVar aggregate classification (germline): Uncertain significance. Review status: criteria provided, multiple submitters, no conflicts (2 of 4 stars). 2 submissions from 2 submitters: Uncertain significance (2). Last evaluated 2022-10-19.

Conditions:
Developmental and epileptic encephalopathy. Identifiers: MedGen C5779964, MONDO:0100620.

Submissions (2):

Labcorp Genetics (formerly Invitae), Labcorp
Classification: Uncertain significance for Early-infantile DEE. Last evaluated: 2022-10-19. Review status: criteria provided, single submitter. Criteria: Invitae Variant Classification Sherloc (09022015). Collection method: clinical testing. Allele origin: germline.
Comment: This variant, c.133_138dup, results in the insertion of 2 amino acid(s) of the CACNA2D2 protein (p.Trp45_Leu46dup), but otherwise preserves the integrity of the reading frame. This variant is not present in population databases (gnomAD no frequency). This variant has not been reported in the literature in individuals affected with CACNA2D2-related conditions. ClinVar contains an entry for this variant (Variation ID: 411009). Experimental studies and prediction algorithms are not available or were not evaluated, and the functional significance of this variant is currently unknown. In summary, the available evidence is currently insufficient to determine the role of this variant in disease. Therefore, it has been classified as a Variant of Uncertain Significance.

GeneDx
Classification: Uncertain significance. Last evaluated: 2019-11-20. Review status: criteria provided, single submitter. Criteria: GeneDx Variant Classification Process June 2021. Collection method: clinical testing. Allele origin: germline. Affected: yes.
Comment: Not observed in large population cohorts (Lek et al., 2016); In-frame insertion of 2 amino acids in a non-repeat region; Has not been previously published as pathogenic or benign to our knowledge

NM_006030.4(CACNA2D2):c.133_138dup (p.Trp45_Leu46dup)

Gene: CACNA2D2 (calcium voltage-gated channel auxiliary subunit alpha2delta 2; minus strand). Cytogenetic location: 3p21.31.
Variant type: Duplication.
Coding change: c.133_138dup on transcript NM_006030.4 (MANE Select); coding-DNA positions 133 to 138, 6 bases duplicated (TGGCTG; older notation c.133_138dupTGGCTG).
Protein change: p.Trp45_Leu46dup.
Molecular consequence: inframe insertion. On other transcripts: intron variant (1).
Genome position (GRCh38, 1-based): chr3:50,503,286-50,503,291, CAGCCA duplicated on the plus strand (TGGCTG on the coding strand, the reverse complement: CACNA2D2 is on the minus strand); duplicating any 6 consecutive bases within chr3:50,503,286-50,503,295 gives the same sequence; the c. name uses the placement nearest the transcript's 3' end. VCF-style (leftmost placement, unchanged base first): chr3-50503285-G-GCAGCCA. GRCh37 (hg19) VCF-style: chr3-50540716-G-GCAGCCA.
Other names: c.133_138dup, p.Trp45_Leu46dup (NM_001005505.3, NM_001174051.3); c.-2+778_-2+783dup (NM_001291101.1).
Identifiers: ClinVar variation 411009 (VCV000411009.5), dbSNP rs1060503109, ClinGen allele CA16611323.